The following is an entry in ClinVar:

ClinVar aggregate classification (germline): Uncertain significance (1 of 4 stars; one submission).

Allele frequency attached by ClinVar (database versions not stated): gnomAD exomes below 0.00001 and 0.00001; ExAC 0.00001; gnomAD 0.00001; TOPMed 0.00002.
gnomAD v4.1: 5 of 1,578,872 alleles (0.00032%); highest among the groups gnomAD compares: Non-Finnish European, 0.00043%; no homozygotes.

Submission:

Labcorp Genetics (formerly Invitae), Labcorp
Classification: Uncertain significance. Last evaluated: 2022-06-23. Review status: criteria provided, single submitter. Criteria: Invitae Variant Classification Sherloc (09022015). Collection method: clinical testing. Allele origin: germline.
Comment: This variant has not been reported in the literature in individuals affected with IFT81-related conditions. Algorithms developed to predict the effect of missense changes on protein structure and function (SIFT, PolyPhen-2, Align-GVGD) all suggest that this variant is likely to be disruptive. In summary, the available evidence is currently insufficient to determine the role of this variant in disease. Therefore, it has been classified as a Variant of Uncertain Significance. This sequence change replaces histidine, which is basic and polar, with arginine, which is basic and polar, at codon 155 of the IFT81 protein (p.His155Arg). The frequency data for this variant in the population databases is considered unreliable, as metrics indicate poor data quality at this position in the gnomAD database.

NM_014055.4(IFT81):c.464A>G (p.His155Arg)

Gene: IFT81 (intraflagellar transport 81; plus strand). Cytogenetic location: 12q24.11.
Variant type: single nucleotide variant.
Coding change: c.464A>G on transcript NM_014055.4 (MANE Select); coding-DNA position 464, A replaced by G.
Protein change: p.His155Arg; replaces histidine 155 with arginine.
Molecular consequence: missense variant. On other transcripts: 5 prime UTR variant (2), non-coding transcript variant (3).
Genome position (GRCh38, 1-based): chr12:110,132,581, A>G. VCF-style: chr12-110132581-A-G. GRCh37 (hg19) VCF-style: chr12-110570386-A-G.
Other names: c.464A>G, p.His155Arg (NM_001143779.2, NM_001347946.2, NM_031473.4); c.-303A>G (NM_001347947.2, NM_001347948.2); short protein forms H155R.
Identifiers: ClinVar variation 1520834 (VCV001520834.8), dbSNP rs758129986, ClinGen allele CA6783089.